The following is an entry in ClinVar:

NM_177438.3(DICER1):c.2651_2653dup (p.Val884_Asn885insIle)

Gene: DICER1 (dicer 1, ribonuclease III; minus strand). Cytogenetic location: 14q32.13.
Variant type: Duplication.
Coding change: c.2651_2653dup on transcript NM_177438.3 (MANE Select); coding-DNA positions 2651 to 2653, 3 bases duplicated (TTA; older notation c.2651_2653dupTTA).
Protein change: p.Val884_Asn885insIle.
Molecular consequence: inframe insertion. On other transcripts: non-coding transcript variant (6).
Genome position (GRCh38, 1-based): chr14:95,107,759-95,107,761, TAA duplicated on the plus strand (TTA on the coding strand, the reverse complement: DICER1 is on the minus strand). VCF-style (leftmost placement, unchanged base first): chr14-95107758-T-TTAA. GRCh37 (hg19) VCF-style: chr14-95574095-T-TTAA.
Other names: c.2651_2653dup, p.Val884_Asn885insIle (NM_001395678.1, NM_001395679.1, NM_001395680.1 and 12 more transcripts); c.2246_2248dup, p.Val749_Asn750insIle (NM_001395696.1, NM_001395687.1, NM_001395688.1 and 2 more transcripts); c.968_970dup, p.Val323_Asn324insIle (NM_001395697.1); c.2369_2371dup, p.Val790_Asn791insIle (NM_001395686.1); c.2084_2086dup, p.Val695_Asn696insIle (NM_001395691.1).
Identifiers: ClinVar variation 4713771 (VCV004713771.1).

ClinVar aggregate classification (germline): Uncertain significance (1 of 4 stars; one submission).

Conditions:
DICER1-related tumor predisposition. Also called: DICER1 syndrome; DICER1-related pleuropulmonary blastoma cancer predisposition syndrome. Identifiers: Orphanet 284343, MedGen C3839822, MONDO:0100216.

Submission:

Labcorp Genetics (formerly Invitae), Labcorp
Classification: Uncertain significance for DICER1-related tumor predisposition. Last evaluated: 2025-02-25. Review status: criteria provided, single submitter. Criteria: Invitae Variant Classification Sherloc (09022015). Collection method: clinical testing. Allele origin: germline.
Comment: This variant, c.2651_2653dup, results in the insertion of 1 amino acid(s) of the DICER1 protein (p.Val884_Asn885insIle), but otherwise preserves the integrity of the reading frame. This variant is not present in population databases (gnomAD no frequency). This variant has not been reported in the literature in individuals affected with DICER1-related conditions. In summary, the available evidence is currently insufficient to determine the role of this variant in disease. Therefore, it has been classified as a Variant of Uncertain Significance.